The following is an entry in ClinVar:

ClinVar aggregate classification (germline): Pathogenic. Review status: criteria provided, multiple submitters, no conflicts (2 of 4 stars). 2 submissions from 2 submitters: Pathogenic (2). Last evaluated 2023-08-30.

Conditions:
Marfan syndrome (MFS). Also called: Marfan syndrome, classic; FBN1-Related Marfan Syndrome; Marfan syndrome type 1; Marfan's syndrome; MARFAN SYNDROME, TYPE I. Identifiers: Orphanet 284963, Orphanet 558, MedGen C0024796, MONDO:0007947, OMIM 154700.
Familial thoracic aortic aneurysm and aortic dissection (TAAD). Also called: Thoracic aortic aneurysms and dissections. Identifiers: Orphanet 91387, MedGen C4707243, MONDO:0019625.

Submissions (2):

Labcorp Genetics (formerly Invitae), Labcorp
Classification: Pathogenic for Marfan syndrome; Familial thoracic aortic aneurysm and aortic dissection. Last evaluated: 2023-08-30. Review status: criteria provided, single submitter. Criteria: Invitae Variant Classification Sherloc (09022015). Collection method: clinical testing. Allele origin: germline.
Comment: This sequence change replaces cysteine, which is neutral and slightly polar, with glycine, which is neutral and non-polar, at codon 576 of the FBN1 protein (p.Cys576Gly). This variant is not present in population databases (gnomAD no frequency). This missense change has been observed in individual(s) with Marfan syndrome (Invitae). ClinVar contains an entry for this variant (Variation ID: 199977). Advanced modeling of protein sequence and biophysical properties (such as structural, functional, and spatial information, amino acid conservation, physicochemical variation, residue mobility, and thermodynamic stability) performed at Invitae indicates that this missense variant is expected to disrupt FBN1 protein function. This variant affects a cysteine residue in the EGF-like, TGFBP or hybrid motif domains of FBN1. Cysteine residues are believed to be involved in intramolecular disulfide bridges and have been shown to be important for FBN1 protein structure (PMID: 16905551, 19349279). In addition, missense substitutions affecting cysteine residues within these domains are significantly overrepresented among patients with Marfan syndrome (PMID: 16571647, 17701892). This variant disrupts the p.Cys576 amino acid residue in FBN1. Other variant(s) that disrupt this residue have been observed in individuals with FBN1-related conditions (PMID: 18435798, 25652356; Invitae), which suggests that this may be a clinically significant amino acid residue. For these reasons, this variant has been classified as Pathogenic.

GeneDx
Classification: Pathogenic. Last evaluated: 2013-07-16. Review status: criteria provided, single submitter. Criteria: GeneDx Variant Classification (06012015). Collection method: clinical testing. Allele origin: germline. Affected: yes.
Comment: p.Cys576Gly (TGC>GGC): c.1726 T>G in exon 15 of the FBN1 gene (NM_000138.4) While the Cys576Gly mutation in the FBN1 gene has not been reported to our knowledge, a mutation affecting this same codon, Cys576Tyr, has been reported in association with Marfan syndrome (Attanasio M et al., 2008). Additionally, mutations in nearby residues (Asp574Gly, Cys582Arg, Gly585Arg, Gly585Glu) have been reported in association with Marfan syndrome, further supporting the functional importance of this codon and this region of the protein. Cys576Gly results in a non-conservative amino acid substitution of a polar Cysteine with a non-polar Glycine at a position that is conserved across species. In silico analysis predicts Cys576Gly is damaging to the protein structure/function. Furthermore, Cys576Gly was not observed in approximately 6,500 individuals of European and African American ancestry in the NHLBI Exome Sequencing Project, indicating it is not a common benign variant in these populations. In summary, Cys576Gly in the FBN1 gene is interpreted as a likely disease-causing mutation. The variant is found in TAAD panel(s).

Literature cited by the submitters: PubMed 16905551 (cited by Labcorp Genetics (formerly Invitae), Labcorp); PubMed 19349279 (cited by Labcorp Genetics (formerly Invitae), Labcorp); PubMed 16571647 (cited by Labcorp Genetics (formerly Invitae), Labcorp); PubMed 17701892 (cited by Labcorp Genetics (formerly Invitae), Labcorp); PubMed 18435798 (cited by Labcorp Genetics (formerly Invitae), Labcorp); PubMed 25652356 (cited by Labcorp Genetics (formerly Invitae), Labcorp).

NM_000138.5(FBN1):c.1726T>G (p.Cys576Gly)

Gene: FBN1 (fibrillin 1; minus strand). Cytogenetic location: 15q21.1.
Variant type: single nucleotide variant.
Coding change: c.1726T>G on transcript NM_000138.5 (MANE Select); coding-DNA position 1726, T replaced by G.
Protein change: p.Cys576Gly; replaces cysteine 576 with glycine.
Molecular consequence: missense variant.
Genome position (GRCh38, 1-based): chr15:48,508,693, A>C on the plus strand (T>G on the coding strand, the complement: FBN1 is on the minus strand). VCF-style: chr15-48508693-A-C. GRCh37 (hg19) VCF-style: chr15-48800890-A-C.
Other names: p.C576G:TGC>GGC; short protein forms C576G.
Identifiers: ClinVar variation 199977 (VCV000199977.10), dbSNP rs794728174, ClinGen allele CA012523.